The following is an entry in ClinVar:

ClinVar aggregate classification (germline): Uncertain significance. Review status: criteria provided, multiple submitters, no conflicts (2 of 4 stars). 2 submissions from 2 submitters: Uncertain significance (2). Last evaluated 2025-12-15.

Conditions:
Inborn genetic diseases. Identifiers: MedGen C0950123, MeSH D030342.

Allele frequency attached by ClinVar (database versions not stated): gnomAD exomes 0.00001.

Submissions (2):

Labcorp Genetics (formerly Invitae), Labcorp
Classification: Uncertain significance. Last evaluated: 2025-12-15. Review status: criteria provided, single submitter. Criteria: Invitae Variant Classification Sherloc (09022015). Collection method: clinical testing. Allele origin: germline.
Comment: This sequence change replaces isoleucine, which is neutral and non-polar, with valine, which is neutral and non-polar, at codon 404 of the ATP5A1 protein (p.Ile404Val). This variant is not present in population databases (gnomAD no frequency). This variant has not been reported in the literature in individuals affected with ATP5A1-related conditions. ClinVar contains an entry for this variant (Variation ID: 1927666). Invitae Evidence Modeling of protein sequence and biophysical properties (such as structural, functional, and spatial information, amino acid conservation, physicochemical variation, residue mobility, and thermodynamic stability) indicates that this missense variant is not expected to disrupt ATP5A1 protein function with a negative predictive value of 80%. In summary, the available evidence is currently insufficient to determine the role of this variant in disease. Therefore, it has been classified as a Variant of Uncertain Significance.

Ambry Genetics
Classification: Uncertain significance for Inborn genetic diseases. Last evaluated: 2022-02-17. Review status: criteria provided, single submitter. Criteria: Ambry Variant Classification Scheme 2023. Collection method: clinical testing. Allele origin: germline.

NM_004046.6(ATP5F1A):c.1210A>G (p.Ile404Val)

Gene: ATP5F1A (ATP synthase F1 subunit alpha; minus strand). Cytogenetic location: 18q21.1.
Variant type: single nucleotide variant.
Coding change: c.1210A>G on transcript NM_004046.6 (MANE Select); coding-DNA position 1210, A replaced by G.
Protein change: p.Ile404Val; replaces isoleucine 404 with valine.
Molecular consequence: missense variant.
Genome position (GRCh38, 1-based): chr18:46,086,461, T>C on the plus strand (A>G on the coding strand, the complement: ATP5F1A is on the minus strand). VCF-style: chr18-46086461-T-C. GRCh37 (hg19) VCF-style: chr18-43666427-T-C.
Other names: c.1060A>G, p.Ile354Val (NM_001001935.3, NM_001257335.2); c.1210A>G, p.Ile404Val (NM_001001937.2); c.1144A>G, p.Ile382Val (NM_001257334.2); c.1210A>G (NM_001001937.1); short protein forms I354V, I404V, I382V.
Identifiers: ClinVar variation 1927666 (VCV001927666.6), dbSNP rs1204584869, ClinGen allele CA402364464.